The following is an entry in ClinVar:

ClinVar aggregate classification (germline): Pathogenic (0 of 4 stars; one submission).

Conditions:
Glucocorticoid deficiency with achalasia (AAAS). Also called: Addisonian achalasia syndrome; Achalasia-addisonianism-alacrimia syndrome; Achalasia-Addisonianism-Alacrima (Triple-A) Syndrome; ALACRIMA-ACHALASIA-ADRENAL INSUFFICIENCY NEUROLOGIC DISORDER; AAA syndrome; Allgrove syndrome. Identifiers: Orphanet 869, MedGen C0271742, MONDO:0009279, OMIM 231550.

Allele frequency attached by ClinVar (database versions not stated): gnomAD exomes below 0.00001.

Submission:

Department of Pediatric Endocrinology and Inherited Metabolic Diseases, Children's Hospital of Fudan University
Classification: Pathogenic for Glucocorticoid deficiency with achalasia. Last evaluated: 2021-05-18. Review status: no assertion criteria provided. Collection method: clinical testing. Allele origin: germline. Inheritance: Autosomal recessive inheritance. Affected: yes. Observed: 1 variant allele, 1 homozygote.
Comment: Triple A syndrome with alacrima, achalasia

NM_015665.6(AAAS):c.399+1G>A

Gene: AAAS (aladin WD repeat nucleoporin; minus strand). Cytogenetic location: 12q13.13.
Variant type: single nucleotide variant.
Coding change: c.399+1G>A on transcript NM_015665.6 (MANE Select); the canonical splice donor site of the intron after coding-DNA position 399, G replaced by A.
Molecular consequence: splice donor variant.
Genome position (GRCh38, 1-based): chr12:53,315,334, C>T on the plus strand (G>A on the coding strand, the complement: AAAS is on the minus strand). VCF-style: chr12-53315334-C-T. GRCh37 (hg19) VCF-style: chr12-53709118-C-T.
Other names: c.399+1G>A (NM_001173466.2).
Identifiers: ClinVar variation 1119991 (VCV001119991.2), dbSNP rs2136811976, ClinGen allele CA385044169.